The following is an entry in ClinVar:

ClinVar aggregate classification (germline): Uncertain significance (1 of 4 stars; one submission).

Conditions:
Osteogenesis imperfecta type I (OI1). Also called: Lobstein disease; OI, TYPE I; OSTEOGENESIS IMPERFECTA TARDA; OSTEOGENESIS IMPERFECTA WITH BLUE SCLERAE; Osteogenesis imperfecta type 1; Lobstein's Disease. Identifiers: Orphanet 216796, Orphanet 666, MedGen C0023931, MONDO:0008146, OMIM 166200. Disease mechanism: loss of function.
Ehlers-Danlos syndrome, classic type, 1 (EDSCL1). Also called: EDS I; EHLERS-DANLOS SYNDROME, GRAVIS TYPE; EHLERS-DANLOS SYNDROME, SEVERE CLASSIC TYPE; Ehlers-Danlos syndrome, type 1; Ehlers-Danlos Syndrome, Classic Type, COL5A1-Related. Identifiers: MedGen C0268335, MONDO:0019567, OMIM 130000.

Allele frequency attached by ClinVar (database versions not stated): gnomAD exomes below 0.00001.
gnomAD v4.1: 1 of 1,614,030 alleles (0.000062%); highest among the groups gnomAD compares: Non-Finnish European, 0.000085%; no homozygotes.

Submission:

Labcorp Genetics (formerly Invitae), Labcorp
Classification: Uncertain significance for Osteogenesis imperfecta type I; Ehlers-Danlos syndrome, classic type, 1. Last evaluated: 2022-11-28. Review status: criteria provided, single submitter. Criteria: Invitae Variant Classification Sherloc (09022015). Collection method: clinical testing. Allele origin: germline.
Comment: This sequence change falls in intron 49 of the COL1A2 gene. It does not directly change the encoded amino acid sequence of the COL1A2 protein. It affects a nucleotide within the consensus splice site. This variant is not present in population databases (gnomAD no frequency). This variant has not been reported in the literature in individuals affected with COL1A2-related conditions. Variants that disrupt the consensus splice site are a relatively common cause of aberrant splicing (PMID: 17576681, 9536098). Algorithms developed to predict the effect of sequence changes on RNA splicing suggest that this variant may disrupt the consensus splice site. In summary, the available evidence is currently insufficient to determine the role of this variant in disease. Therefore, it has been classified as a Variant of Uncertain Significance.

Literature cited by the submitters: PubMed 17576681; PubMed 9536098.

NM_000089.4(COL1A2):c.3526+3A>G

Gene: COL1A2 (collagen type I alpha 2 chain; plus strand). Cytogenetic location: 7q21.3.
Variant type: single nucleotide variant.
Coding change: c.3526+3A>G on transcript NM_000089.4 (MANE Select); 3 bases into the intron after coding-DNA position 3526, A replaced by G.
Molecular consequence: intron variant.
Genome position (GRCh38, 1-based): chr7:94,427,888, A>G. VCF-style: chr7-94427888-A-G. GRCh37 (hg19) VCF-style: chr7-94057200-A-G.
Identifiers: ClinVar variation 2941880 (VCV002941880.3), dbSNP rs2484738930, ClinGen allele CA2683774217.